The following is an entry in ClinVar:

NM_198525.3(KIF7):c.2059C>G (p.Arg687Gly)

Gene: KIF7 (kinesin family member 7; minus strand). Cytogenetic location: 15q26.1.
Variant type: single nucleotide variant.
Coding change: c.2059C>G on transcript NM_198525.3 (MANE Select); coding-DNA position 2059, C replaced by G.
Protein change: p.Arg687Gly; replaces arginine 687 with glycine.
Molecular consequence: missense variant.
Genome position (GRCh38, 1-based): chr15:89,645,145, G>C on the plus strand (C>G on the coding strand, the complement: KIF7 is on the minus strand). VCF-style: chr15-89645145-G-C. GRCh37 (hg19) VCF-style: chr15-90188376-G-C.
Other names: short protein forms R687G.
Identifiers: ClinVar variation 1404715 (VCV001404715.8), dbSNP rs138736028, ClinGen allele CA7728346.

ClinVar aggregate classification (germline): Uncertain significance. Review status: criteria provided, multiple submitters, no conflicts (2 of 4 stars). 3 submissions from 3 submitters: Uncertain significance (3). Last evaluated 2025-08-11.

Conditions:
Acrocallosal syndrome (ACLS). Also called: Schinzel syndrome 1; Absence of corpus callosum with unusual facial appearance, mental deficiency, duplication of the halluces and polydactyly; HALLUX DUPLICATION, POSTAXIAL POLYDACTYLY, AND ABSENCE OF CORPUS CALLOSUM. Identifiers: Orphanet 36, MedGen C0796147, MONDO:0008708, OMIM 200990.
Inborn genetic diseases. Identifiers: MedGen C0950123, MeSH D030342.

Allele frequency attached by ClinVar (database versions not stated): ESP Exome Variant Server 0.00015; 1000 Genomes Project 30x 0.00031.
gnomAD v4.1: 87 of 1,604,382 alleles (0.0054%); highest among the groups gnomAD compares: Admixed American, 0.0083%; no homozygotes.

Submissions (3):

Ambry Genetics
Classification: Uncertain significance for Inborn genetic diseases. Last evaluated: 2025-08-11. Review status: criteria provided, single submitter. Criteria: Ambry Variant Classification Scheme 2023. Collection method: clinical testing. Allele origin: germline.

Labcorp Genetics (formerly Invitae), Labcorp
Classification: Uncertain significance for Acrocallosal syndrome. Last evaluated: 2024-12-02. Review status: criteria provided, single submitter. Criteria: Invitae Variant Classification Sherloc (09022015). Collection method: clinical testing. Allele origin: germline.
Comment: This sequence change replaces arginine, which is basic and polar, with glycine, which is neutral and non-polar, at codon 687 of the KIF7 protein (p.Arg687Gly). This variant is present in population databases (rs138736028, gnomAD 0.01%). This variant has not been reported in the literature in individuals affected with KIF7-related conditions. ClinVar contains an entry for this variant (Variation ID: 1404715). Invitae Evidence Modeling of protein sequence and biophysical properties (such as structural, functional, and spatial information, amino acid conservation, physicochemical variation, residue mobility, and thermodynamic stability) indicates that this missense variant is not expected to disrupt KIF7 protein function with a negative predictive value of 80%. In summary, the available evidence is currently insufficient to determine the role of this variant in disease. Therefore, it has been classified as a Variant of Uncertain Significance.

GeneDx
Classification: Uncertain significance. Last evaluated: 2022-02-15. Review status: criteria provided, single submitter. Criteria: GeneDx Variant Classification Process June 2021. Collection method: clinical testing. Allele origin: germline. Affected: yes.
Comment: Not observed at significant frequency in large population cohorts (gnomAD); In silico analysis supports that this missense variant does not alter protein structure/function; Has not been previously published as pathogenic or benign to our knowledge